The following is an entry in ClinVar:

ClinVar aggregate classification (germline): Uncertain significance (1 of 4 stars; one submission).

Conditions:
Arrhythmogenic right ventricular dysplasia 9 (ARVD9). Also called: Arrhythmogenic Right Ventricular Dysplasia/Cardiomyopathy 9; ARRHYTHMOGENIC RIGHT VENTRICULAR DYSPLASIA, FAMILIAL, 9. Identifiers: MedGen C1836906, MONDO:0012180, OMIM 609040.

Submission:

Labcorp Genetics (formerly Invitae), Labcorp
Classification: Uncertain significance for Arrhythmogenic right ventricular dysplasia 9. Last evaluated: 2019-08-30. Review status: criteria provided, single submitter. Criteria: Invitae Variant Classification Sherloc (09022015). Collection method: clinical testing. Allele origin: germline.
Comment: In summary, the available evidence is currently insufficient to determine the role of this variant in disease. Therefore, it has been classified as a Variant of Uncertain Significance. Algorithms developed to predict the effect of missense changes on protein structure and function (SIFT, PolyPhen-2, Align-GVGD) all suggest that this variant is likely to be tolerated, but these predictions have not been confirmed by published functional studies and their clinical significance is uncertain. This variant has not been reported in the literature in individuals with PKP2-related conditions. This variant is not present in population databases (ExAC no frequency). This sequence change replaces glutamine with arginine at codon 323 of the PKP2 protein (p.Gln323Arg). The glutamine residue is moderately conserved and there is a small physicochemical difference between glutamine and arginine.

NM_001005242.3(PKP2):c.968A>G (p.Gln323Arg)

Gene: PKP2 (plakophilin 2; minus strand). Cytogenetic location: 12p11.21.
Variant type: single nucleotide variant.
Coding change: c.968A>G on transcript NM_001005242.3 (MANE Select); coding-DNA position 968, A replaced by G.
Protein change: p.Gln323Arg; replaces glutamine 323 with arginine.
Molecular consequence: missense variant.
Genome position (GRCh38, 1-based): chr12:32,877,912, T>C on the plus strand (A>G on the coding strand, the complement: PKP2 is on the minus strand). VCF-style: chr12-32877912-T-C. GRCh37 (hg19) VCF-style: chr12-33030846-T-C.
Other names: c.968A>G, p.Gln323Arg (NM_004572.4); short protein forms Q323R.
Identifiers: ClinVar variation 943941 (VCV000943941.9), dbSNP rs879096591, ClinGen allele CA235265870.